The following is an entry in ClinVar:

NM_000271.5(NPC1):c.3492C>T (p.Ser1164=)

Gene: NPC1 (NPC intracellular cholesterol transporter 1; minus strand). Cytogenetic location: 18q11.2.
Variant type: single nucleotide variant.
Coding change: c.3492C>T on transcript NM_000271.5 (MANE Select); coding-DNA position 3492, C replaced by T.
Protein change: p.Ser1164=; no amino-acid change (serine 1164 retained).
Molecular consequence: synonymous variant.
Genome position (GRCh38, 1-based): chr18:23,534,545, G>A on the plus strand (C>T on the coding strand, the complement: NPC1 is on the minus strand). VCF-style: chr18-23534545-G-A. GRCh37 (hg19) VCF-style: chr18-21114509-G-A.
Identifiers: ClinVar variation 500946 (VCV000500946.16), dbSNP rs371160947, ClinGen allele CA8912746.

ClinVar aggregate classification (germline): Conflicting classifications of pathogenicity. Review status: criteria provided, conflicting classifications (1 of 4 stars). 3 submissions from 3 submitters: Uncertain significance (1); Likely benign (2). Last evaluated 2026-02-17.

Conditions:
NPC1-related disorder. Also called: NPC1-related condition.
Niemann-Pick disease, type C1. Also called: NEUROVISCERAL STORAGE DISEASE WITH VERTICAL SUPRANUCLEAR OPHTHALMOPLEGIA; NIEMANN-PICK DISEASE WITH CHOLESTEROL ESTERIFICATION BLOCK; NIEMANN-PICK DISEASE WITHOUT SPHINGOMYELINASE DEFICIENCY; NIEMANN-PICK DISEASE, CHRONIC NEURONOPATHIC FORM; NIEMANN-PICK DISEASE, VARIANT TYPE C1. Identifiers: Orphanet 646, MedGen C3179455, MONDO:0009757, OMIM 257220.

Allele frequency attached by ClinVar (database versions not stated): ExAC 0.00002; gnomAD exomes 0.00003; TOPMed 0.00005; gnomAD 0.00007 and 0.00008.
gnomAD v4.1: 58 of 1,613,784 alleles (0.0036%); highest among the groups gnomAD compares: African/African-American, 0.0053%; no homozygotes.

Submissions (3):

PreventionGenetics, part of Exact Sciences
Classification: Likely benign for NPC1-related condition. Last evaluated: 2026-02-17. Review status: criteria provided, single submitter. Criteria: ACMG Guidelines, 2015. Collection method: clinical testing. Allele origin: germline.
Comment: This variant is classified as likely benign based on ACMG/AMP sequence variant interpretation guidelines (Richards et al. 2015 PMID: 25741868, with internal and published modifications).

Labcorp Genetics (formerly Invitae), Labcorp
Classification: Likely benign for Niemann-Pick disease, type C1. Last evaluated: 2025-10-02. Review status: criteria provided, single submitter. Criteria: Invitae Variant Classification Sherloc (09022015). Collection method: clinical testing. Allele origin: germline.

Eurofins Ntd Llc (ga)
Classification: Uncertain significance. Last evaluated: 2017-03-20. Review status: criteria provided, single submitter. Criteria: EGL Classification Definitions 2015. Collection method: clinical testing. Allele origin: germline. Observed: 1 variant allele, 1 heterozygote.